The following is an entry in ClinVar:

NM_004795.4(KL):c.1757A>G (p.Gln586Arg)

Gene: KL (klotho; plus strand). Cytogenetic location: 13q13.1.
Variant type: single nucleotide variant.
Coding change: c.1757A>G on transcript NM_004795.4 (MANE Select); coding-DNA position 1757, A replaced by G.
Protein change: p.Gln586Arg; replaces glutamine 586 with arginine.
Molecular consequence: missense variant.
Genome position (GRCh38, 1-based): chr13:33,060,836, A>G. VCF-style: chr13-33060836-A-G. GRCh37 (hg19) VCF-style: chr13-33634973-A-G.
Other names: short protein forms Q586R.
Identifiers: ClinVar variation 4778612 (VCV004778612.1).
Genomic context (GRCh38, chr13:33,060,836, plus strand): 5'-AGAAGAGGAAATCCTACTGTGTTGACTTTGCTGCCATCCAGCCCCAGATCGCTTTACTCC[A>G]GGAAATGCACGTTACACATTTTCGCTTCTCCCTGGACTGGGCCCTGATTCTCCCTCTGGG-3'
Protein context (NP_004786.2, residues 576-596): AAIQPQIALL[Gln586Arg]EMHVTHFRFS

ClinVar aggregate classification (germline): Uncertain significance (1 of 4 stars; one submission).

gnomAD v4.1: 2 of 1,614,106 alleles (0.00012%); highest among the groups gnomAD compares: African/African-American, 0.0013%; no homozygotes.

Submission:

Labcorp Genetics (formerly Invitae), Labcorp
Classification: Uncertain significance. Last evaluated: 2025-07-29. Review status: criteria provided, single submitter. Criteria: Invitae Variant Classification Sherloc (09022015). Collection method: clinical testing. Allele origin: germline.
Comment: This sequence change replaces glutamine, which is neutral and polar, with arginine, which is basic and polar, at codon 586 of the KL protein (p.Gln586Arg). This variant is present in population databases (no rsID available, gnomAD 0.007%). This variant has not been reported in the literature in individuals affected with KL-related conditions. Invitae Evidence Modeling of protein sequence and biophysical properties (such as structural, functional, and spatial information, amino acid conservation, physicochemical variation, residue mobility, and thermodynamic stability) indicates that this missense variant is not expected to disrupt KL protein function with a negative predictive value of 80%. In summary, the available evidence is currently insufficient to determine the role of this variant in disease. Therefore, it has been classified as a Variant of Uncertain Significance.